The following is an entry in ClinVar:

ClinVar aggregate classification (germline): Uncertain significance (1 of 4 stars; one submission).

Conditions:
Primary ciliary dyskinesia 32. Also called: CILIARY DYSKINESIA, PRIMARY, 32, WITHOUT SITUS INVERSUS. Identifiers: Orphanet 244, MedGen C4225311, MONDO:0014657, OMIM 616481.

Allele frequency attached by ClinVar (database versions not stated): gnomAD 0.00001; TOPMed 0.00001.
gnomAD v4.1: 12 of 1,610,738 alleles (0.00075%); highest among the groups gnomAD compares: Non-Finnish European, 0.00093%; no homozygotes.

Submission:

Labcorp Genetics (formerly Invitae), Labcorp
Classification: Uncertain significance for Primary ciliary dyskinesia 32. Last evaluated: 2023-08-04. Review status: criteria provided, single submitter. Criteria: Invitae Variant Classification Sherloc (09022015). Collection method: clinical testing. Allele origin: germline.
Comment: In summary, the available evidence is currently insufficient to determine the role of this variant in disease. Therefore, it has been classified as a Variant of Uncertain Significance. Algorithms developed to predict the effect of missense changes on protein structure and function output the following: SIFT: "Not Available"; PolyPhen-2: "Benign"; Align-GVGD: "Not Available". The serine amino acid residue is found in multiple mammalian species, which suggests that this missense change does not adversely affect protein function. ClinVar contains an entry for this variant (Variation ID: 475827). This variant has not been reported in the literature in individuals affected with RSPH3-related conditions. This variant is present in population databases (rs753412130, gnomAD 0.005%). This sequence change replaces alanine, which is neutral and non-polar, with serine, which is neutral and polar, at codon 70 of the RSPH3 protein (p.Ala70Ser).

NM_031924.8(RSPH3):c.-219G>T

Gene: RSPH3 (radial spoke head 3; minus strand). Cytogenetic location: 6q25.3.
Variant type: single nucleotide variant.
Coding change: c.-219G>T on transcript NM_031924.8 (MANE Select); 219 bases upstream of the start codon, G replaced by T.
Molecular consequence: 5 prime UTR variant. On other transcripts: missense variant (1), non-coding transcript variant (1).
Genome position (GRCh38, 1-based): chr6:158,999,769, C>A on the plus strand (G>T on the coding strand, the complement: RSPH3 is on the minus strand). VCF-style: chr6-158999769-C-A. GRCh37 (hg19) VCF-style: chr6-159420801-C-A.
Other names: c.208G>T, p.Ala70Ser (NM_001346418.1); short protein forms A70S.
Identifiers: ClinVar variation 475827 (VCV000475827.8), dbSNP rs753412130, ClinGen allele CA4076076.